The following is an entry in ClinVar:

ClinVar aggregate classification (germline): Pathogenic (3 of 4 stars; one submission).

Conditions:
Breast-ovarian cancer, familial, susceptibility to, 2 (BROVCA2). Also called: BRCA2 Hereditary Breast and Ovarian Cancer. Identifiers: Orphanet 145, MedGen C2675520, MONDO:0012933, OMIM 612555. Disease mechanism: loss of function.

Submission:

Evidence-based Network for the Interpretation of Germline Mutant Alleles (ENIGMA)
Classification: Pathogenic for Breast-ovarian cancer, familial, susceptibility to, 2. Last evaluated: 2017-12-15. Review status: reviewed by expert panel. Criteria: ENIGMA BRCA1/2 Classification Criteria (2017-06-29). Collection method: curation. Allele origin: germline. Study: ENIGMA.
Comment: Variant allele predicted to encode a truncated non-functional protein.

NM_000059.4(BRCA2):c.8249del (p.Lys2750fs)

Gene: BRCA2 (BRCA2 DNA repair associated; plus strand). Cytogenetic location: 13q13.1.
Variant type: Deletion.
Coding change: c.8249del on transcript NM_000059.4 (MANE Select); coding-DNA position 8249, one base deleted (A; older notation c.8249delA).
Protein change: p.Lys2750fs; shifts the reading frame from lysine 2750.
Molecular consequence: frameshift variant.
Genome position (GRCh38, 1-based): chr13:32,363,451, A deleted; the last of 2 consecutive A bases (chr13:32,363,450-32,363,451); deleting either gives the same sequence. VCF-style (leftmost placement, unchanged base first): chr13-32363449-GA-G. GRCh37 (hg19) VCF-style: chr13-32937586-GA-G.
Other names: c.8249delA (NM_000059.3); short protein forms K2750fs.
Identifiers: ClinVar variation 548390 (VCV000548390.1), dbSNP rs1555287062, ClinGen allele CA658823565.
Genomic context (GRCh38, chr13:32,363,449, plus strand): 5'-GGCCCAGTTAGATCCTCCCCTCTTAGCTGTCTTAAAGAATGGCAGACTGACAGTTGGTCA[GA>G]AGATTATTCTTCATGGAGCAGAACTGGTGGGCTCTCCTGATGCCTGTACACCTCTTGAAG-3'